The following is an entry in ClinVar:

NM_004562.3(PRKN):c.1019G>A (p.Gly340Glu)

Gene: PRKN (parkin RBR E3 ubiquitin protein ligase; minus strand). Cytogenetic location: 6q26.
Variant type: single nucleotide variant.
Coding change: c.1019G>A on transcript NM_004562.3 (MANE Select); coding-DNA position 1019, G replaced by A.
Protein change: p.Gly340Glu; replaces glycine 340 with glutamic acid.
Molecular consequence: missense variant.
Genome position (GRCh38, 1-based): chr6:161,548,918, C>T on the plus strand (G>A on the coding strand, the complement: PRKN is on the minus strand). VCF-style: chr6-161548918-C-T. GRCh37 (hg19) VCF-style: chr6-161969950-C-T.
Other names: c.935G>A, p.Gly312Glu (NM_013987.3); c.572G>A, p.Gly191Glu (NM_013988.3); short protein forms G312E, G191E, G340E.
Identifiers: ClinVar variation 655063 (VCV000655063.9), dbSNP rs1318163167, ClinGen allele CA366460425.

ClinVar aggregate classification (germline): Uncertain significance (1 of 4 stars; one submission).

Allele frequency attached by ClinVar (database versions not stated): gnomAD exomes below 0.00001.
gnomAD v4.1: 2 of 1,614,182 alleles (0.00012%); highest among the groups gnomAD compares: Admixed American, 0.0033%; no homozygotes.

Submission:

Labcorp Genetics (formerly Invitae), Labcorp
Classification: Uncertain significance. Last evaluated: 2025-02-26. Review status: criteria provided, single submitter. Criteria: Invitae Variant Classification Sherloc (09022015). Collection method: clinical testing. Allele origin: germline.
Comment: This sequence change replaces glycine, which is neutral and non-polar, with glutamic acid, which is acidic and polar, at codon 340 of the PRKN protein (p.Gly340Glu). This variant is present in population databases (no rsID available, gnomAD 0.003%). This missense change has been observed in individual(s) with Parkinson disease (internal data). ClinVar contains an entry for this variant (Variation ID: 655063). Invitae Evidence Modeling of protein sequence and biophysical properties (such as structural, functional, and spatial information, amino acid conservation, physicochemical variation, residue mobility, and thermodynamic stability) indicates that this missense variant is expected to disrupt PRKN protein function with a positive predictive value of 80%. In summary, the available evidence is currently insufficient to determine the role of this variant in disease. Therefore, it has been classified as a Variant of Uncertain Significance.